The following is an entry in ClinVar:

ClinVar aggregate classification (germline): Uncertain significance (1 of 4 stars; one submission).

Allele frequency attached by ClinVar (database versions not stated): gnomAD exomes below 0.00001; ExAC 0.00001.
gnomAD v4.1: 2 of 1,612,438 alleles (0.00012%); highest among the groups gnomAD compares: South Asian, 0.0022%; no homozygotes.

Submission:

GeneDx
Classification: Uncertain significance. Last evaluated: 2022-12-05. Review status: criteria provided, single submitter. Criteria: GeneDx Variant Classification Process June 2021. Collection method: clinical testing. Allele origin: germline. Affected: yes.
Comment: Not observed at significant frequency in large population cohorts (gnomAD); Missense variant in a gene in which most reported pathogenic variants are truncating/loss of function; Has not been previously published as pathogenic or benign to our knowledge.

NM_001267550.2(TTN):c.16411A>G (p.Ser5471Gly)

Gene: TTN (titin; minus strand). Cytogenetic location: 2q31.2.
Variant type: single nucleotide variant.
Coding change: c.16411A>G on transcript NM_001267550.2 (MANE Select); coding-DNA position 16411, A replaced by G.
Protein change: p.Ser5471Gly; replaces serine 5471 with glycine.
Molecular consequence: missense variant. On other transcripts: intron variant (3).
Genome position (GRCh38, 1-based): chr2:178,732,650, T>C on the plus strand (A>G on the coding strand, the complement: TTN is on the minus strand). VCF-style: chr2-178732650-T-C. GRCh37 (hg19) VCF-style: chr2-179597377-T-C.
Other names: c.15460A>G, p.Ser5154Gly (NM_001256850.1); c.12679A>G, p.Ser4227Gly (NM_133378.4); c.13282+5432A>G (NM_003319.4); c.13858+5432A>G (NM_133437.4); c.13657+5432A>G (NM_133432.3); short protein forms S4227G, S5154G, S5471G.
Identifiers: ClinVar variation 2504406 (VCV002504406.1), dbSNP rs757968547, ClinGen allele CA2002033.